The following is an entry in ClinVar:

ClinVar aggregate classification (germline): Uncertain significance (1 of 4 stars; one submission).

Conditions:
CHARGE syndrome (CHARGE). Also called: Hittner Hirsch Kreh syndrome; CHARGE ASSOCIATION--COLOBOMA, HEART ANOMALY, CHOANAL ATRESIA, RETARDATION, GENITAL AND EAR ANOMALIES; Coloboma, heart anomaly, choanal atresia, retardation, genital and ear anomalies; CHARGE association; Hall-Hittner syndrome. Identifiers: Orphanet 138, MedGen C0265354, MONDO:0008965.

Submission:

Labcorp Genetics (formerly Invitae), Labcorp
Classification: Uncertain significance for CHARGE syndrome. Last evaluated: 2026-01-01. Review status: criteria provided, single submitter. Criteria: Invitae Variant Classification Sherloc (09022015). Collection method: clinical testing. Allele origin: germline.
Comment: This sequence change replaces serine, which is neutral and polar, with alanine, which is neutral and non-polar, at codon 2123 of the CHD7 protein (p.Ser2123Ala). This variant is not present in population databases (gnomAD no frequency). This variant has not been reported in the literature in individuals affected with CHD7-related conditions. Invitae Evidence Modeling of protein sequence and biophysical properties (such as structural, functional, and spatial information, amino acid conservation, physicochemical variation, residue mobility, and thermodynamic stability) indicates that this missense variant is not expected to disrupt CHD7 protein function with a negative predictive value of 80%. In summary, the available evidence is currently insufficient to determine the role of this variant in disease. Therefore, it has been classified as a Variant of Uncertain Significance.

NM_017780.4(CHD7):c.6367T>G (p.Ser2123Ala)

Gene: CHD7 (chromodomain helicase DNA binding protein 7; plus strand). Cytogenetic location: 8q12.2.
Variant type: single nucleotide variant.
Coding change: c.6367T>G on transcript NM_017780.4 (MANE Select); coding-DNA position 6367, T replaced by G.
Protein change: p.Ser2123Ala; replaces serine 2123 with alanine.
Molecular consequence: missense variant. On other transcripts: intron variant (1).
Genome position (GRCh38, 1-based): chr8:60,853,092, T>G. VCF-style: chr8-60853092-T-G. GRCh37 (hg19) VCF-style: chr8-61765651-T-G.
Other names: c.1717-9137T>G (NM_001316690.1); short protein forms S2123A.
Identifiers: ClinVar variation 4812075 (VCV004812075.1).